The following is an entry in ClinVar:

ClinVar aggregate classification (germline): Uncertain significance. Review status: criteria provided, multiple submitters, no conflicts (2 of 4 stars). 4 submissions from 4 submitters: Uncertain significance (4). Last evaluated 2025-12-07.

Conditions:
RP1-related disorder. Also called: RP1-related condition.
Inborn genetic diseases. Identifiers: MedGen C0950123, MeSH D030342.

Allele frequency attached by ClinVar (database versions not stated): gnomAD 0.00002; TOPMed 0.00003; gnomAD exomes 0.00004 and 0.00008; ExAC 0.00005.
gnomAD v4.1: 26 of 1,613,790 alleles (0.0016%); highest among the groups gnomAD compares: Admixed American, 0.042%; no homozygotes.

Submissions (4):

PreventionGenetics, part of Exact Sciences
Classification: Uncertain significance for RP1-related condition. Last evaluated: 2025-12-07. Review status: criteria provided, single submitter. Criteria: ACMG Guidelines, 2015. Collection method: clinical testing. Allele origin: germline.
Comment: The RP1 c.5779C>A variant is predicted to result in the amino acid substitution p.Pro1927Thr. To our knowledge, this variant has not been reported in the literature. This variant is reported in 0.061% of alleles in individuals of Latino descent in gnomAD, which may be too frequent to be a primary cause of disease. Although we suspect that this variant may be benign, at this time, the clinical significance of this variant is uncertain due to the absence of conclusive functional and genetic evidence.

Labcorp Genetics (formerly Invitae), Labcorp
Classification: Uncertain significance. Last evaluated: 2025-10-02. Review status: criteria provided, single submitter. Criteria: Invitae Variant Classification Sherloc (09022015). Collection method: clinical testing. Allele origin: germline.
Comment: This sequence change replaces proline, which is neutral and non-polar, with threonine, which is neutral and polar, at codon 1927 of the RP1 protein (p.Pro1927Thr). This variant is present in population databases (rs750530534, gnomAD 0.06%). This variant has not been reported in the literature in individuals affected with RP1-related conditions. ClinVar contains an entry for this variant (Variation ID: 842167). An algorithm developed to predict the effect of missense changes on protein structure and function (PolyPhen-2) suggests that this variant is likely to be disruptive. In summary, the available evidence is currently insufficient to determine the role of this variant in disease. Therefore, it has been classified as a Variant of Uncertain Significance.

Ambry Genetics
Classification: Uncertain significance for Inborn genetic diseases. Last evaluated: 2024-10-01. Review status: criteria provided, single submitter. Criteria: Ambry Variant Classification Scheme 2023. Collection method: clinical testing. Allele origin: germline.

Blueprint Genetics
Classification: Uncertain significance. Last evaluated: 2019-10-17. Review status: criteria provided, single submitter. Criteria: ACMG Guidelines, 2015. Collection method: clinical testing. Allele origin: germline.

NM_006269.2(RP1):c.5779C>A (p.Pro1927Thr)

Genes: RP1 (RP1 axonemal microtubule associated; plus strand), LOC126860392 (CDK7 strongly-dependent group 2 enhancer GRCh37_chr8:55541319-55542518; plus strand). Cytogenetic location: 8q12.1.
Variant type: single nucleotide variant.
Coding change: c.5779C>A on transcript NM_006269.2 (MANE Select); coding-DNA position 5779, C replaced by A.
Protein change: p.Pro1927Thr; replaces proline 1927 with threonine.
Molecular consequence: missense variant. On other transcripts: intron variant (1).
Genome position (GRCh38, 1-based): chr8:54,629,661, C>A. VCF-style: chr8-54629661-C-A. GRCh37 (hg19) VCF-style: chr8-55542221-C-A.
Other names: c.787+7373C>A (NM_001375654.1); short protein forms P1927T.
Identifiers: ClinVar variation 842167 (VCV000842167.12), dbSNP rs750530534, ClinGen allele CA4752126.